The following is an entry in ClinVar:

NM_000218.3(KCNQ1):c.104C>G (p.Pro35Arg)

Gene: KCNQ1 (potassium voltage-gated channel subfamily Q member 1; plus strand). Cytogenetic location: 11p15.5.
Variant type: single nucleotide variant.
Coding change: c.104C>G on transcript NM_000218.3 (MANE Select); coding-DNA position 104, C replaced by G.
Protein change: p.Pro35Arg; replaces proline 35 with arginine.
Molecular consequence: missense variant. On other transcripts: 5 prime UTR variant (1).
Genome position (GRCh38, 1-based): chr11:2,445,202, C>G. VCF-style: chr11-2445202-C-G. GRCh37 (hg19) VCF-style: chr11-2466432-C-G.
Other names: c.104C>G, p.Pro35Arg (NM_001406836.1, NM_001406838.1); c.-259C>G (NM_001406837.1); short protein forms P35R.
Identifiers: ClinVar variation 2882834 (VCV002882834.3), dbSNP rs1373379406, ClinGen allele CA379116194.

ClinVar aggregate classification (germline): Uncertain significance (1 of 4 stars; one submission).

Conditions:
Long QT syndrome (LQTS). Identifiers: MedGen C0023976, MeSH D008133, MONDO:0002442. Disease mechanism: loss of function. Inheritance: Various modes of inheritance.

Submission:

Labcorp Genetics (formerly Invitae), Labcorp
Classification: Uncertain significance for Long QT syndrome. Last evaluated: 2023-02-22. Review status: criteria provided, single submitter. Criteria: Invitae Variant Classification Sherloc (09022015). Collection method: clinical testing. Allele origin: germline.
Comment: This variant is not present in population databases (gnomAD no frequency). This sequence change replaces proline, which is neutral and non-polar, with arginine, which is basic and polar, at codon 35 of the KCNQ1 protein (p.Pro35Arg). This variant has not been reported in the literature in individuals affected with KCNQ1-related conditions. In summary, the available evidence is currently insufficient to determine the role of this variant in disease. Therefore, it has been classified as a Variant of Uncertain Significance. Advanced modeling of protein sequence and biophysical properties (such as structural, functional, and spatial information, amino acid conservation, physicochemical variation, residue mobility, and thermodynamic stability) has been performed at Invitae for this missense variant, however the output from this modeling did not meet the statistical confidence thresholds required to predict the impact of this variant on KCNQ1 protein function.